The following is an entry in ClinVar:

NM_016599.5(MYOZ2):c.253A>C (p.Ile85Leu)

Gene: MYOZ2 (myozenin 2; plus strand). Cytogenetic location: 4q26.
Variant type: single nucleotide variant.
Coding change: c.253A>C on transcript NM_016599.5 (MANE Select); coding-DNA position 253, A replaced by C.
Protein change: p.Ile85Leu; replaces isoleucine 85 with leucine.
Molecular consequence: missense variant.
Genome position (GRCh38, 1-based): chr4:119,158,028, A>C. VCF-style: chr4-119158028-A-C. GRCh37 (hg19) VCF-style: chr4-120079183-A-C.
Other names: short protein forms I85L.
Identifiers: ClinVar variation 1792795 (VCV001792795.3), dbSNP rs2529770529, ClinGen allele CA358203796.

ClinVar aggregate classification (germline): Uncertain significance (1 of 4 stars; one submission).

Conditions:
Cardiovascular phenotype. Identifiers: MedGen CN230736.

Submission:

Ambry Genetics
Classification: Uncertain significance for Cardiovascular phenotype. Last evaluated: 2023-05-01. Review status: criteria provided, single submitter. Criteria: Ambry Variant Classification Scheme 2023. Collection method: clinical testing. Allele origin: germline.
Comment: The p.I85L variant (also known as c.253A>C), located in coding exon 3 of the MYOZ2 gene, results from an A to C substitution at nucleotide position 253. The isoleucine at codon 85 is replaced by leucine, an amino acid with highly similar properties. This amino acid position is not well conserved in available vertebrate species. In addition, this alteration is predicted to be tolerated by in silico analysis. The evidence for this gene-disease relationship is limited; therefore, the clinical significance of this alteration is unclear.